The following is an entry in ClinVar:

ClinVar aggregate classification (germline): Conflicting classifications of pathogenicity. Review status: criteria provided, conflicting classifications (1 of 4 stars). 18 submissions from 18 submitters: Uncertain significance (7); Benign (2); Likely benign (7). 2 of the submissions do not count toward it. Last evaluated 2026-02-04.

Conditions:
Inherited prostate cancer.
Hereditary nonpolyposis colorectal neoplasms. Identifiers: MedGen C0009405, MeSH D003123.
Hereditary cancer-predisposing syndrome. Also called: Tumor predisposition; Hereditary neoplastic syndrome; Neoplastic Syndromes, Hereditary; Hereditary Cancer Syndrome. Identifiers: Orphanet 140162, MedGen C0027672, MeSH D009386, MONDO:0015356.
Lynch syndrome 5 (LYNCH5). Also called: Colorectal cancer, hereditary nonpolyposis, type 5; Hereditary non-polyposis colorectal cancer, type 5. Identifiers: Orphanet 144, MedGen C1833477, MONDO:0013710, OMIM 614350. Disease mechanism: loss of function.
Malignant tumor of breast. Also called: Malignant breast neoplasm; Cancer breast. Identifiers: MedGen C0006142, MONDO:0007254. Disease mechanism: loss of function.

Allele frequency attached by ClinVar (database versions not stated): gnomAD 0.00011; TOPMed 0.00013; ESP Exome Variant Server 0.00023.
gnomAD v4.1: 272 of 1,608,454 alleles (0.017%); highest among the groups gnomAD compares: Non-Finnish European, 0.022%; no homozygotes.

Submissions (19):

Labcorp Genetics (formerly Invitae), Labcorp
Classification: Likely benign for Hereditary nonpolyposis colorectal neoplasms. Last evaluated: 2026-02-04. Review status: criteria provided, single submitter. Criteria: Invitae Variant Classification Sherloc (09022015). Collection method: clinical testing. Allele origin: germline.

Cambridge Genomics Laboratory, East Genomic Laboratory Hub, NHS Genomic Medicine Service
Classification: Uncertain significance for Inherited prostate cancer. Last evaluated: 2026-01-09. Review status: criteria provided, single submitter. Criteria: ACGS Best Practice Guidelines for Variant Classification in Rare Disease 2020. Collection method: clinical testing. Allele origin: germline. Affected: yes.

Quest Diagnostics Nichols Institute San Juan Capistrano
Classification: Uncertain significance. Last evaluated: 2025-10-24. Review status: criteria provided, single submitter. Criteria: Quest Diagnostics criteria. Collection method: clinical testing. Allele origin: unknown.
Comment: The MSH6 c.628-7C>A variant has been reported in the published literature in individuals affected with colorectal cancer (PMID: 20459533 (2010)), endometrial cancer (PMID: 32634176 (2020)) and breast cancer (PMID: 32885271 (2021)). Additionally, this variant was also identified in an individual with colonic adenomas (PMID: 35904628 (2022)). The frequency of this variant in the general population (Genome Aggregation Database) is uninformative in the assessment of its pathogenicity. Analysis of this variant using software algorithms for the prediction of the effect of nucleotide changes on MSH6 mRNA splicing yielded inconclusive findings. Based on the available information, we are unable to determine the clinical significance of this variant.

Center for Genomic Medicine, Rigshospitalet, Copenhagen University Hospital
Classification: Likely benign. Last evaluated: 2025-03-04. Review status: criteria provided, single submitter. Criteria: ACMG Guidelines, 2015. Collection method: clinical testing. Allele origin: germline.

Myriad Genetics, Inc.
Classification: Likely benign for Lynch syndrome 5. Last evaluated: 2024-12-19. Review status: criteria provided, single submitter. Criteria: Myriad Autosomal Dominant, Autosomal Recessive and X-Linked Classification Criteria (2023). Collection method: clinical testing. Allele origin: unknown.
Comment: This variant is considered likely benign. This variant is intronic and is not expected to impact mRNA splicing. This variant is strongly associated with less severe personal and family histories of cancer, typical for individuals without pathogenic variants in this gene [PMID: 27363726].

Blueprint Genetics
Classification: Likely benign. Last evaluated: 2024-10-16. Review status: criteria provided, single submitter. Criteria: ACMG Guidelines, 2015. Collection method: clinical testing. Allele origin: germline.

Women's Health and Genetics/Laboratory Corporation of America, LabCorp
Classification: Benign. Last evaluated: 2024-03-27. Review status: criteria provided, single submitter. Criteria: LabCorp Variant Classification Summary - May 2015. Collection method: clinical testing. Allele origin: germline.
Comment: Variant summary: MSH6 c.628-7C>A alters a non-conserved nucleotide located close to a canonical splice site and therefore could affect mRNA splicing, leading to a significantly altered protein sequence. Consensus agreement among computation tools predict no significant impact on normal splicing. However, these predictions have yet to be confirmed by functional studies. The variant allele was found at a frequency of 0.00017 in 1608454 control chromosomes, predominantly at a frequency of 0.00022 within the Non-Finnish European subpopulation in the gnomAD database. The observed variant frequency within Non-Finnish European control individuals in the gnomAD database is approximately 1.6 fold of the estimated maximal expected allele frequency for a pathogenic variant in MSH6 causing Hereditary Nonpolyposis Colorectal Cancer phenotype/Lynch syndrome (0.00014), strongly suggesting that the variant is a benign polymorphism found primarily in populations of Non-Finnish European origin. c.628-7C>A has been reported in the literature as an "unclassified variant" in individuals affected with Lynch syndrome (example, Barrow_2010). These report(s) do not provide unequivocal conclusions about association of the variant with Hereditary Nonpolyposis Colorectal Cancer/Lynch syndrome. To our knowledge, no experimental evidence demonstrating an impact on protein function has been reported. The following publication have been ascertained in the context of this evaluation (PMID: 20459533). ClinVar contains an entry for this variant (Variation ID: 135843). Based on the evidence outlined above, the variant was classified as benign.

Institute for Biomarker Research, Medical Diagnostic Laboratories, L.L.C.
Classification: Likely benign for Hereditary cancer-predisposing syndrome. Last evaluated: 2023-07-19. Review status: criteria provided, single submitter. Criteria: ACMG Guidelines, 2015. Collection method: clinical testing. Allele origin: germline.

Color Diagnostics, LLC DBA Color Health
Classification: Likely benign for Hereditary cancer-predisposing syndrome. Last evaluated: 2022-04-07. Review status: criteria provided, single submitter. Criteria: ACMG Guidelines, 2015. Collection method: clinical testing. Allele origin: germline.

Sema4
Classification: Uncertain significance for Hereditary cancer-predisposing syndrome. Last evaluated: 2021-11-29. Review status: criteria provided, single submitter. Criteria: Sema4 Curation Guidelines. Collection method: curation. Allele origin: germline.
Comment: The MSH6 c.628-7C>A variant has been reported in heterozygosity in at least two individuals with Lynch syndrome and Endometrial cancer (PMID: 20459533, 32634176). It was observed in 20/127346 chromosomes of the Non-Finnish European subpopulation, with no homozygotes, in the large and broad cohorts of the Genome Aggregation Database (PMID: 32461654). This variant has been reported in ClinVar (Variation ID 135843). Algorithms developed to predict the effect of sequence changes on RNA splicing suggest that this variant is not likely to affect RNA splicing, though these predictions have not been confirmed by transcriptional studies. The evidence is insufficient to meet ACMG/AMP criteria for classifying the variant as benign or pathogenic. Thus, the clinical significance of this variant is currently uncertain.

Genetic Services Laboratory, University of Chicago
Classification: Uncertain significance. Last evaluated: 2020-02-07. Review status: criteria provided, single submitter. Criteria: ACMG Guidelines, 2015. Collection method: clinical testing. Allele origin: germline. Affected: no.

ARUP Laboratories, Molecular Genetics and Genomics, ARUP Laboratories
Classification: Uncertain significance. Last evaluated: 2019-11-11. Review status: criteria provided, single submitter. Criteria: ARUP Molecular Germline Variant Investigation Process. Collection method: clinical testing. Allele origin: germline.
Comment: The MSH6 c.628-7C>A variant (rs373129248) is reported in the literature in a single individual affected with Lynch syndrome (Barrow 2010). This variant is reported in ClinVar (Variation ID: 135843), and is found in the general population with an overall allele frequency of 0.0083% (23/275494 alleles) in the Genome Aggregation Database. This is an intronic variant in a weakly conserved nucleotide, but computational analyses (Alamut v.2.11) predict that this variant may impact splicing weakening the nearby canonical acceptor splice site. However, without functional studies, the effect on splicing is unknown. Given the lack of clinical and functional data, the significance of the c.628-7C>A variant is uncertain at this time. References: Barrow E et al. Semiquantitative assessment of immunohistochemistry for mismatch repair proteins in Lynch syndrome. Histopathology. 2010 Feb;56(3):331-44.

Mendelics
Classification: Uncertain significance for Lynch syndrome 5. Last evaluated: 2019-05-28. Review status: criteria provided, single submitter. Criteria: Mendelics Assertion Criteria 2017. Collection method: clinical testing. Allele origin: unknown.

Illumina Laboratory Services, Illumina
Classification: Uncertain significance for Lynch syndrome 5. Last evaluated: 2018-01-13. Review status: criteria provided, single submitter. Criteria: ICSL Variant Classification Criteria 13 December 2019. Collection method: clinical testing. Allele origin: germline.

PreventionGenetics, part of Exact Sciences
Classification: Likely benign. Last evaluated: 2017-05-30. Review status: criteria provided, single submitter. Criteria: ACMG Guidelines, 2015. Collection method: clinical testing. Allele origin: germline.

GeneDx
Classification: Benign. Last evaluated: 2015-03-03. Review status: criteria provided, single submitter. Criteria: GeneDx Variant Classification Process June 2021. Collection method: clinical testing. Allele origin: germline. Affected: yes.
Comment: This variant is associated with the following publications: (PMID: 32634176)

Counsyl
Classification: Uncertain significance for Lynch syndrome 5. Last evaluated: 2015-12-10. Review status: no assertion criteria provided. Collection method: clinical testing. Allele origin: unknown. Not counted in ClinVar's aggregate classification.

Department of Pathology and Laboratory Medicine, Sinai Health System
Classification: Uncertain significance for Malignant tumor of breast. Review status: no assertion criteria provided. Collection method: clinical testing. Allele origin: unknown. Affected: yes. Observed: 1 variant allele. Study: The Canadian Open Genetics Repository (COGR). Not counted in ClinVar's aggregate classification.
Comment: The MSH6 c.628-7C>A variant was identified in 1 of 102 proband chromosomes (frequency: 0.01) from individuals or families with Lynch Syndrome and was not identified in 34 control chromosomes from healthy individuals (Barrow 2010). The variant was also identified in the following databases: dbSNP (ID: rs373129248) as "With Likely benign, Uncertain significance allele", ClinVar (2x uncertain significance, 1x likely benign), and Clinvitae (1x uncertain significance, 1x likely benign). The variant was not identified in Cosmic, MutDB, UMD-LSDB, Insight Colon Cancer Gene Variant Database, Zhejiang Colon Cancer Database, Mismatch Repair Genes Variant Database, or the Insight Hereditary Tumors Database. The variant was identified in control databases in 25 of 270130 chromosomes at a frequency of 0.00009 increasing the likelihood this could be a low frequency variant (Genome Aggregation Database Feb 27, 2017). Observations by population include African in 1 of 23742 chromosomes (freq: 0.00004), Latino in 1 of 34294 chromosomes (freq: 0.00003), European in 23 of 125000 chromosomes (freq: 0.0002); it was not observed in the â€šÃ„ÃºOtherâ€šÃ„Ã¹, Ashkenazi Jewish, East Asian, Finnish, or South Asian populations. The c.628-7C>A variant is located in the 3' splice region but does not affect the invariant -1 and -2 positions. However, positions -3 and -5 to -12 are part of the splicing consensus sequence and variants involving these positions sometimes affect splicing. In addition, 2 of 5 in silico or computational prediction software programs (SpliceSiteFinder, MaxEntScan, NNSPLICE, GeneSplicer, HumanSpliceFinder) predict a greater than 10% difference in splicing. In summary, based on the above information the clinical significance of this variant cannot be determined with certainty at this time. This variant is classified as uncertain significance.

Dr. Peter K. Rogan Lab, Western University
No classification provided (evidence only). Condition: Lymphoma. Review status: no classification provided. Collection method: in vitro. Allele origin: not applicable. Functional consequence: retained intron. Not counted in ClinVar's aggregate classification.

Literature cited by the submitters: PubMed 32885271 (cited by Quest Diagnostics Nichols Institute San Juan Capistrano); PubMed 20459533 (cited by 4 submitters); PubMed 32634176 (cited by Quest Diagnostics Nichols Institute San Juan Capistrano and Sema4); PubMed 35904628 (cited by Quest Diagnostics Nichols Institute San Juan Capistrano); PubMed 27363726 (cited by Myriad Genetics, Inc.).

NM_000179.3(MSH6):c.628-7C>A

Gene: MSH6 (mutS homolog 6; plus strand). Cytogenetic location: 2p16.3.
Variant type: single nucleotide variant.
Coding change: c.628-7C>A on transcript NM_000179.3 (MANE Select); 7 bases into the intron before coding-DNA position 628, C replaced by A.
Molecular consequence: intron variant.
Genome position (GRCh38, 1-based): chr2:47,798,604, C>A. VCF-style: chr2-47798604-C-A. GRCh37 (hg19) VCF-style: chr2-48025743-C-A.
Other names: c.-279-7C>A (NM_001281493.2); c.238-7C>A (NM_001281492.2); c.-275-11C>A (NM_001281494.2).
Identifiers: ClinVar variation 135843 (VCV000135843.52), dbSNP rs373129248, ClinGen allele CA016029.
Genomic context (GRCh38, chr2:47,798,604, plus strand): 5'-GAACTGTCTTACATTATGGTTTTCCAAATTTTGATTTGTTTTTAAATACTCTTTCCTTGC[C>A]TGGCAGGTAGGCACAACTTACGTAACAGATAAGAGTGAAGAAGATAATGAAATTGAGAGT-3'